The following is an entry in ClinVar:

ClinVar aggregate classification (germline): Uncertain significance (1 of 4 stars; one submission).

Conditions:
PCNT-related disorder. Also called: PCNT-related condition.

Submission:

PreventionGenetics, part of Exact Sciences
Classification: Uncertain significance for PCNT-related condition. Last evaluated: 2026-05-24. Review status: criteria provided, single submitter. Criteria: ACMG Guidelines, 2015. Collection method: clinical testing. Allele origin: germline.
Comment: The PCNT c.4195_4197delinsAAT variant is predicted to result in an in-frame deletion and insertion. To our knowledge, this variant has not been reported in the literature or in a large population database (gnomAD), indicating this variant is rare. At this time, the clinical significance of this variant is uncertain due to the absence of conclusive functional and genetic evidence.

NM_006031.6(PCNT):c.4195_4197delinsAAT (p.Asp1399Asn)

Gene: PCNT (pericentrin; plus strand). Cytogenetic location: 21q22.3.
Variant type: Indel.
Coding change: c.4195_4197delinsAAT on transcript NM_006031.6 (MANE Select); coding-DNA positions 4195 to 4197, GAC replaced by AAT.
Protein change: p.Asp1399Asn; replaces aspartic acid 1399 with asparagine.
Molecular consequence: missense variant.
Genome position (GRCh38, 1-based): chr21:46,391,355-46,391,357, GAC replaced by AAT. VCF-style: chr21-46391355-GAC-AAT. GRCh37 (hg19) VCF-style: chr21-47811270-GAC-AAT.
Other names: c.3841_3843delinsAAT, p.Asp1281Asn (NM_001315529.2); short protein forms D1281N, D1399N.
Identifiers: ClinVar variation 4991839 (VCV004991839.1).